The following is an entry in ClinVar:

NM_000466.3(PEX1):c.1501_1502del (p.Leu501fs)

Gene: PEX1 (peroxisomal biogenesis factor 1; minus strand). Cytogenetic location: 7q21.2.
Variant type: Microsatellite.
Coding change: c.1501_1502del on transcript NM_000466.3 (MANE Select); coding-DNA positions 1501 to 1502, 2 bases deleted (CT; older notation c.1501_1502delCT).
Protein change: p.Leu501fs; shifts the reading frame from leucine 501.
Molecular consequence: frameshift variant.
Genome position (GRCh38, 1-based): chr7:92,511,029-92,511,030, AG deleted on the plus strand (CT on the coding strand, the reverse complement: PEX1 is on the minus strand); deleting any 2 consecutive bases within chr7:92,511,029-92,511,033 gives the same sequence; the c. name uses the placement nearest the transcript's 3' end. VCF-style (leftmost placement, unchanged base first): chr7-92511028-CAG-C. GRCh37 (hg19) VCF-style: chr7-92140342-CAG-C.
Other names: c.1501_1502del (NM_000466.2); c.1501_1502del, p.Leu501fs (NM_001282677.2); c.877_878del, p.Leu293fs (NM_001282678.2); short protein forms L293fs, L501fs.
Identifiers: ClinVar variation 189165 (VCV000189165.9), dbSNP rs786204743, ClinGen allele CA274446.
Genomic context (GRCh38, chr7:92,511,028, plus strand): 5'-ATTGGGACTCAACAGAAAAATATTTTTATCTTTTTCTTTTTCCCAAGAATGAACTATACT[CAG>C]AGAAAATTCCTTCAGTCCTATTAAAAAGAAAGTAATAAATGCAGAGTTAGTACTGAAACA-3'

ClinVar aggregate classification (germline): Pathogenic/Likely pathogenic. Review status: criteria provided, multiple submitters, no conflicts (2 of 4 stars). 5 submissions from 5 submitters: Pathogenic (2); Likely pathogenic (2). 1 of the submissions does not count toward it. Last evaluated 2025-08-28.

Conditions:
Zellweger spectrum disorders (ZS). Also called: Zellweger Spectrum Disorder; Zellweger Spectrum; Zellweger syndrome; Zellweger Spectrum Disorder (ZSD). Identifiers: Orphanet 912, MedGen C0043459, MONDO:0019609.
Peroxisome biogenesis disorder 1A (Zellweger) (PBD1A). Also called: Peroxisome biogenesis disorder 1a; Zellweger leukodystrophy. Identifiers: MedGen C4721541, MONDO:0008953, OMIM 214100.
Heimler syndrome 1 (HMLR1). Also called: PEROXISOME BIOGENESIS DISORDER 1C. Identifiers: Orphanet 3220, MedGen C4551980, OMIM 234580, MONDO:0024544.
Peroxisome biogenesis disorder 1B (PBD1B). Also called: Refsum disease, infantile form; PEROXISOME BIOGENESIS DISORDER (NEONATAL ADRENOLEUKODYSTROPHY/INFANTILE REFSUM DISEASE); INFANTILE PHYTANIC ACID STORAGE DISEASE; PEROXISOME BIOGENESIS DISORDER (NALD/IRD); ADRENOLEUKODYSTROPHY, AUTOSOMAL NEONATAL; Infantile Refsum disease. Identifiers: Orphanet 44, MedGen C0282527, MONDO:0011101, OMIM 601539.

Submissions (5):

Natera, Inc.
Classification: Likely pathogenic for Zellweger syndrome. Last evaluated: 2025-08-28. Review status: criteria provided, single submitter. Criteria: Natera Variant Classification Schema (03/2026). Collection method: clinical testing. Allele origin: germline.
Comment: The c.1501_1502del variant in PEX1 is a frameshift variant predicted to shift the reading frame beginning at codon 501 and leads to a stop codon 12 codons downstream. This variant is expected to result in nonsense mediated decay, truncation, or a dysfunctional protein product. This variant is rare in the general population with a frequency below the threshold expected for the associated phenotype(s). Given the available evidence, this variant is classified as Likely Pathogenic.

Fulgent Genetics
Classification: Likely pathogenic for Peroxisome biogenesis disorder 1A (Zellweger); Heimler syndrome 1; Peroxisome biogenesis disorder 1B. Last evaluated: 2024-04-16. Review status: criteria provided, single submitter. Criteria: ACMG Guidelines, 2015. Collection method: clinical testing. Allele origin: germline.

Baylor Genetics
Classification: Pathogenic for Heimler syndrome 1. Last evaluated: 2023-07-19. Review status: criteria provided, single submitter. Criteria: ACMG Guidelines, 2015. Collection method: clinical testing. Allele origin: unknown.

Labcorp Genetics (formerly Invitae), Labcorp
Classification: Pathogenic for Zellweger spectrum disorders. Last evaluated: 2023-01-15. Review status: criteria provided, single submitter. Criteria: Invitae Variant Classification Sherloc (09022015). Collection method: clinical testing. Allele origin: germline.
Comment: This premature translational stop signal has been observed in individual(s) with PEX1-related conditions (PMID: 21031596). ClinVar contains an entry for this variant (Variation ID: 189165). For these reasons, this variant has been classified as Pathogenic. This sequence change creates a premature translational stop signal (p.Leu501Glufs*12) in the PEX1 gene. It is expected to result in an absent or disrupted protein product. Loss-of-function variants in PEX1 are known to be pathogenic (PMID: 9398847, 16086329, 16141001, 21031596, 26387595, 31831025). This variant is not present in population databases (gnomAD no frequency).

Counsyl
Classification: Likely pathogenic for Zellweger syndrome. Last evaluated: 2015-01-29. Review status: no assertion criteria provided. Collection method: literature only. Allele origin: unknown. Inheritance: Autosomal recessive inheritance. Not counted in ClinVar's aggregate classification.

Literature cited by the submitters: PubMed 21031596 (cited by Labcorp Genetics (formerly Invitae), Labcorp and Counsyl); PubMed 9398847 (cited by Labcorp Genetics (formerly Invitae), Labcorp); PubMed 16086329 (cited by Labcorp Genetics (formerly Invitae), Labcorp); PubMed 16141001 (cited by Labcorp Genetics (formerly Invitae), Labcorp); PubMed 26387595 (cited by Labcorp Genetics (formerly Invitae), Labcorp); PubMed 31831025 (cited by Labcorp Genetics (formerly Invitae), Labcorp).